The following is an entry in ClinVar:

NM_001189.4(NKX3-2):c.116C>G (p.Thr39Arg)

Gene: NKX3-2 (NK3 homeobox 2; minus strand). Cytogenetic location: 4p15.33.
Variant type: single nucleotide variant.
Coding change: c.116C>G on transcript NM_001189.4 (MANE Select); coding-DNA position 116, C replaced by G.
Protein change: p.Thr39Arg; replaces threonine 39 with arginine.
Molecular consequence: missense variant.
Genome position (GRCh38, 1-based): chr4:13,544,299, G>C on the plus strand (C>G on the coding strand, the complement: NKX3-2 is on the minus strand). VCF-style: chr4-13544299-G-C. GRCh37 (hg19) VCF-style: chr4-13545923-G-C.
Other names: c.116C>G (NM_001189.3); short protein forms T39R.
Identifiers: ClinVar variation 1372454 (VCV001372454.7), dbSNP rs922261636, ClinGen allele CA92473723.

ClinVar aggregate classification (germline): Uncertain significance. Review status: criteria provided, multiple submitters, no conflicts (2 of 4 stars). 2 submissions from 2 submitters: Uncertain significance (2). Last evaluated 2025-12-10.

Conditions:
Inborn genetic diseases. Identifiers: MedGen C0950123, MeSH D030342.

Allele frequency attached by ClinVar (database versions not stated): TOPMed below 0.00001; gnomAD 0.00001; gnomAD exomes 0.00001 and 0.00003.

Submissions (2):

Ambry Genetics
Classification: Uncertain significance for Inborn genetic diseases. Last evaluated: 2025-12-10. Review status: criteria provided, single submitter. Criteria: Ambry Variant Classification Scheme 2023. Collection method: clinical testing. Allele origin: germline.

Labcorp Genetics (formerly Invitae), Labcorp
Classification: Uncertain significance. Last evaluated: 2022-02-24. Review status: criteria provided, single submitter. Criteria: Invitae Variant Classification Sherloc (09022015). Collection method: clinical testing. Allele origin: germline.
Comment: This sequence change replaces threonine, which is neutral and polar, with arginine, which is basic and polar, at codon 39 of the NKX3-2 protein (p.Thr39Arg). This variant is present in population databases (no rsID available, gnomAD no frequency). This variant has not been reported in the literature in individuals affected with NKX3-2-related conditions. Algorithms developed to predict the effect of missense changes on protein structure and function (SIFT, PolyPhen-2, Align-GVGD) all suggest that this variant is likely to be tolerated. Algorithms developed to predict the effect of sequence changes on RNA splicing suggest that this variant may create or strengthen a splice site. In summary, the available evidence is currently insufficient to determine the role of this variant in disease. Therefore, it has been classified as a Variant of Uncertain Significance.